The following is an entry in ClinVar:

ClinVar aggregate classification (germline): Uncertain significance. Review status: criteria provided, multiple submitters, no conflicts (2 of 4 stars). 4 submissions from 4 submitters: Uncertain significance (3). 1 of the submissions does not count toward it. Last evaluated 2024-03-21.

Conditions:
Autosomal recessive nonsyndromic hearing loss 23. Identifiers: Orphanet 90636, MedGen C1836027, MONDO:0012293, OMIM 609533.
Usher syndrome type 1D (USH1D). Also called: USHER SYNDROME, TYPE ID. Identifiers: Orphanet 231169, Orphanet 886, MedGen C1832845, MONDO:0010984, OMIM 601067.
Usher syndrome type 1F (USH1F). Also called: USHER SYNDROME, TYPE IF. Identifiers: Orphanet 231169, Orphanet 886, MedGen C1865885, MONDO:0011186, OMIM 602083.

Allele frequency attached by ClinVar (database versions not stated): gnomAD exomes below 0.00001 and 0.00001; TOPMed below 0.00001.
gnomAD v4.1: 20 of 1,614,142 alleles (0.0012%); highest among the groups gnomAD compares: Non-Finnish European, 0.0017%; no homozygotes.

Submissions (4):

Fulgent Genetics
Classification: Uncertain significance for Usher syndrome type 1D; Usher syndrome type 1F; Autosomal recessive nonsyndromic hearing loss 23. Last evaluated: 2024-03-21. Review status: criteria provided, single submitter. Criteria: ACMG Guidelines, 2015. Collection method: clinical testing. Allele origin: germline.

Blueprint Genetics
Classification: Uncertain significance. Last evaluated: 2023-09-25. Review status: criteria provided, single submitter. Criteria: ACMG Guidelines, 2015. Collection method: clinical testing. Allele origin: germline.

Labcorp Genetics (formerly Invitae), Labcorp
Classification: Uncertain significance. Last evaluated: 2021-09-01. Review status: criteria provided, single submitter. Criteria: Invitae Variant Classification Sherloc (09022015). Collection method: clinical testing. Allele origin: germline.
Comment: This sequence change replaces glutamic acid with lysine at codon 1347 of the PCDH15 protein (p.Glu1347Lys). The glutamic acid residue is moderately conserved and there is a small physicochemical difference between glutamic acid and lysine. This variant is not present in population databases (ExAC no frequency). This variant has not been reported in the literature in individuals affected with PCDH15-related conditions. Algorithms developed to predict the effect of missense changes on protein structure and function (SIFT, PolyPhen-2, Align-GVGD) all suggest that this variant is likely to be tolerated. In summary, the available evidence is currently insufficient to determine the role of this variant in disease. Therefore, it has been classified as a Variant of Uncertain Significance.

Natera, Inc.
Classification: Uncertain significance for Usher syndrome type 1F. Last evaluated: 2021-05-17. Review status: no assertion criteria provided. Collection method: clinical testing. Allele origin: germline. Not counted in ClinVar's aggregate classification.

NM_001384140.1(PCDH15):c.4039G>A (p.Glu1347Lys)

Gene: PCDH15 (protocadherin related 15; minus strand). Cytogenetic location: 10q21.1.
Variant type: single nucleotide variant.
Coding change: c.4039G>A on transcript NM_001384140.1 (MANE Select); coding-DNA position 4039, G replaced by A.
Protein change: p.Glu1347Lys; replaces glutamic acid 1347 with lysine.
Molecular consequence: missense variant.
Genome position (GRCh38, 1-based): chr10:53,831,478, C>T on the plus strand (G>A on the coding strand, the complement: PCDH15 is on the minus strand). VCF-style: chr10-53831478-C-T. GRCh37 (hg19) VCF-style: chr10-55591238-C-T.
Other names: c.4054G>A, p.Glu1352Lys (NM_001142763.2, NM_001142771.2); c.4039G>A, p.Glu1347Lys (NM_001142764.2, NM_001142766.2, NM_001142770.3 and 4 more transcripts); c.3826G>A, p.Glu1276Lys (NM_001142765.2); c.3928G>A, p.Glu1310Lys (NM_001142767.2); c.3973G>A, p.Glu1325Lys (NM_001142768.2, NM_001142773.2, NM_001354404.2); c.4075G>A, p.Glu1359Lys (NM_001142769.4); c.4060G>A, p.Glu1354Lys (NM_001354411.2); short protein forms E1310K, E1347K, E1352K, E1354K, E1359K, E1276K, E1325K.
Identifiers: ClinVar variation 864208 (VCV000864208.10), dbSNP rs1358647851, ClinGen allele CA376528507.